The following is an entry in ClinVar:

ClinVar aggregate classification (germline): Uncertain significance. Review status: criteria provided, multiple submitters, no conflicts (2 of 4 stars). 2 submissions from 2 submitters: Uncertain significance (2). Last evaluated 2026-05-27.

Conditions:
Hereditary cancer-predisposing syndrome. Also called: Hereditary neoplastic syndrome; Neoplastic Syndromes, Hereditary; Tumor predisposition; Hereditary Cancer Syndrome. Identifiers: Orphanet 140162, MedGen C0027672, MeSH D009386, MONDO:0015356.
Hereditary breast ovarian cancer syndrome. Also called: Breast and ovarian cancer; Hereditary breast and ovarian cancer syndrome (HBOC); BRCA1- and BRCA2-Associated Hereditary Breast and Ovarian Cancer; Hereditary breast and ovarian cancer syndrome; Hereditary breast and ovarian cancer; Hereditary breast and/or ovarian cancer syndrome. Identifiers: Orphanet 145, MedGen C0677776, MeSH D061325, MONDO:0003582. Disease mechanism: loss of function.

Submissions (2):

Ambry Genetics
Classification: Uncertain significance for Hereditary cancer-predisposing syndrome. Last evaluated: 2026-05-27. Review status: criteria provided, single submitter. Criteria: Ambry Variant Classification Scheme 2023. Collection method: clinical testing. Allele origin: germline.
Comment: The c.8755-3C>A intronic variant results from a C to A substitution 3 nucleotides upstream from coding exon 21 in the BRCA2 gene. Two saturation genome editing-based studies, including a haploid cell-survival assay and a humanized mouse embryonic stem cell line assay of drug response and survival, demonstrate that this nucleotide substitution is functional (Huang H et al. Nature. 2025 Feb;638(8050):528-537; Sahu S et al. Nature. 2025 Feb;638(8050):538-545). This nucleotide position is not well conserved in available vertebrate species. In silico splice site analysis predicts that this alteration may result in the creation or strengthening of a novel splice acceptor site. RNA studies have demonstrated that this variant results in abnormal splicing in the set of samples tested (Ambry internal data). Based on the available evidence, the clinical significance of this variant remains unclear.

Labcorp Genetics (formerly Invitae), Labcorp
Classification: Uncertain significance for Hereditary breast ovarian cancer syndrome. Last evaluated: 2023-07-07. Review status: criteria provided, single submitter. Criteria: Invitae Variant Classification Sherloc (09022015). Collection method: clinical testing. Allele origin: germline.
Comment: In summary, the available evidence is currently insufficient to determine the role of this variant in disease. Therefore, it has been classified as a Variant of Uncertain Significance. Variants that disrupt the consensus splice site are a relatively common cause of aberrant splicing (PMID: 17576681, 9536098). Algorithms developed to predict the effect of sequence changes on RNA splicing suggest that this variant may create or strengthen a splice site. This sequence change falls in intron 21 of the BRCA2 gene. It does not directly change the encoded amino acid sequence of the BRCA2 protein. It affects a nucleotide within the consensus splice site. This variant is not present in population databases (gnomAD no frequency). This variant has not been reported in the literature in individuals affected with BRCA2-related conditions.

Literature cited by the submitters: PubMed 17576681 (cited by Labcorp Genetics (formerly Invitae), Labcorp); PubMed 9536098 (cited by Labcorp Genetics (formerly Invitae), Labcorp).

NM_000059.4(BRCA2):c.8755-3C>A

Gene: BRCA2 (BRCA2 DNA repair associated; plus strand). Cytogenetic location: 13q13.1.
Variant type: single nucleotide variant.
Coding change: c.8755-3C>A on transcript NM_000059.4 (MANE Select); 3 bases into the intron before coding-DNA position 8755, C replaced by A.
Molecular consequence: intron variant.
Genome position (GRCh38, 1-based): chr13:32,379,314, C>A. VCF-style: chr13-32379314-C-A. GRCh37 (hg19) VCF-style: chr13-32953451-C-A.
Other names: c.8755-3C>A (NM_001406720.1, NM_000059.3); c.8659-3C>A (NM_001406719.1); c.3823-3C>A (NM_001406721.1); c.2338-3C>A (NM_001406722.1).
Identifiers: ClinVar variation 2871627 (VCV002871627.4), dbSNP rs2072896768, ClinGen allele CA2739277521.
Genomic context (GRCh38, chr13:32,379,314, plus strand): 5'-TTACAATAGATGGAACTTTTTTGTTCTGATTGCTTTTTATTCCAATATCTTAAATGGTCA[C>A]AGGGTTATTTCAGTGAAGAGCAGTTAAGAGCCTTGAATAATCACAGGCAAATGTTGAATG-3'